The following is an entry in ClinVar:

NM_201384.3(PLEC):c.9652C>T (p.Arg3218Trp)

Gene: PLEC (plectin; minus strand). Cytogenetic location: 8q24.3.
Variant type: single nucleotide variant.
Coding change: c.9652C>T on transcript NM_201384.3 (MANE Select); coding-DNA position 9652, C replaced by T.
Protein change: p.Arg3218Trp; replaces arginine 3218 with tryptophan.
Molecular consequence: missense variant.
Genome position (GRCh38, 1-based): chr8:143,920,169, G>A on the plus strand (C>T on the coding strand, the complement: PLEC is on the minus strand). VCF-style: chr8-143920169-G-A. GRCh37 (hg19) VCF-style: chr8-144994337-G-A.
Other names: c.9733C>T, p.Arg3245Trp (NM_000445.5); c.9610C>T, p.Arg3204Trp (NM_201378.4); c.9586C>T, p.Arg3196Trp (NM_201379.3); c.10063C>T, p.Arg3355Trp (NM_201380.4); c.9556C>T, p.Arg3186Trp (NM_201381.3); c.9652C>T, p.Arg3218Trp (NM_201382.4); c.9664C>T, p.Arg3222Trp (NM_201383.3); short protein forms R3186W, R3196W, R3204W, R3218W, R3222W, R3245W, R3355W.
Identifiers: ClinVar variation 386990 (VCV000386990.19), dbSNP rs368758264, ClinGen allele CA4924899.

ClinVar aggregate classification (germline): Uncertain significance. Review status: criteria provided, multiple submitters, no conflicts (2 of 4 stars). 7 submissions from 7 submitters: Uncertain significance (7). Last evaluated 2025-12-01.

Conditions:
PLEC-related disorder. Also called: PLEC-related disorders; PLEC-related condition.
Autosomal recessive limb-girdle muscular dystrophy type 2Q (LGMDR17). Also called: MUSCULAR DYSTROPHY, LIMB-GIRDLE, AUTOSOMAL RECESSIVE 17. Identifiers: Orphanet 254361, MedGen C3150989, MONDO:0013390, OMIM 613723.
Epidermolysis bullosa simplex 5B, with muscular dystrophy (EBS5B). Also called: EPIDERMOLYSIS BULLOSA SIMPLEX AND LIMB-GIRDLE MUSCULAR DYSTROPHY; Epidermolysis bullosa simplex with muscular dystrophy. Identifiers: Orphanet 257, MedGen C2931072, MONDO:0009181, OMIM 226670.
Epidermolysis bullosa simplex with nail dystrophy (EBS5D). Identifiers: MedGen C4225309, MONDO:0014661, OMIM 616487.
Epidermolysis bullosa simplex, Ogna type (EBS5A). Also called: Pidermolysis bullosa simplex 5A, Ogna type; EPIDERMOLYSIS BULLOSA SIMPLEX 5A, OGNA TYPE. Identifiers: Orphanet 79401, MedGen C0432317, MONDO:0007555, OMIM 131950.
Epidermolysis bullosa simplex 5C, with pyloric atresia (EBS5C). Also called: PLEC1-Related Epidermolysis Bullosa with Pyloric Atresia; PLEC-Related Epidermolysis Bullosa with Pyloric Atresia; Epidermolysis bullosa simplex with pyloric atresia. Identifiers: Orphanet 158684, MedGen C2677349, MONDO:0012807, OMIM 612138.
Inborn genetic diseases. Identifiers: MedGen C0950123, MeSH D030342.

Allele frequency attached by ClinVar (database versions not stated): TOPMed 0.00018; gnomAD 0.00023 and 0.00025; ExAC 0.00005; gnomAD exomes 0.00006; ESP Exome Variant Server 0.00009.
gnomAD v4.1: 104 of 1,612,284 alleles (0.0065%); highest among the groups gnomAD compares: Admixed American, 0.065%; no homozygotes.

Submissions (7):

PreventionGenetics, part of Exact Sciences
Classification: Uncertain significance for PLEC-related condition. Last evaluated: 2025-12-01. Review status: criteria provided, single submitter. Criteria: ACMG Guidelines, 2015. Collection method: clinical testing. Allele origin: germline.
Comment: The PLEC c.9733C>T variant is predicted to result in the amino acid substitution p.Arg3245Trp. To our knowledge, this variant has not been reported in the literature. This variant is reported in 0.039% of alleles in individuals of African descent in gnomAD. At this time, the clinical significance of this variant is uncertain due to the absence of conclusive functional and genetic evidence.

Labcorp Genetics (formerly Invitae), Labcorp
Classification: Uncertain significance for Autosomal recessive limb-girdle muscular dystrophy type 2Q; Epidermolysis bullosa simplex, Ogna type; Epidermolysis bullosa simplex with nail dystrophy; Epidermolysis bullosa simplex 5C, with pyloric atresia; Epidermolysis bullosa simplex 5B, with muscular dystrophy. Last evaluated: 2025-07-02. Review status: criteria provided, single submitter. Criteria: Invitae Variant Classification Sherloc (09022015). Collection method: clinical testing. Allele origin: germline.
Comment: This sequence change replaces arginine, which is basic and polar, with tryptophan, which is neutral and slightly polar, at codon 3245 of the PLEC protein (p.Arg3245Trp). This variant is present in population databases (rs368758264, gnomAD 0.04%). This variant has not been reported in the literature in individuals affected with PLEC-related conditions. ClinVar contains an entry for this variant (Variation ID: 386990). An algorithm developed to predict the effect of missense changes on protein structure and function (PolyPhen-2) suggests that this variant is likely to be disruptive. In summary, the available evidence is currently insufficient to determine the role of this variant in disease. Therefore, it has been classified as a Variant of Uncertain Significance.

Ambry Genetics
Classification: Uncertain significance for Inborn genetic diseases. Last evaluated: 2022-08-02. Review status: criteria provided, single submitter. Criteria: Ambry Variant Classification Scheme 2023. Collection method: clinical testing. Allele origin: germline.

Athena Diagnostics
Classification: Uncertain significance. Last evaluated: 2020-01-23. Review status: criteria provided, single submitter. Criteria: Athena Diagnostics Criteria. Collection method: clinical testing. Allele origin: unknown.

Revvity Omics, Revvity
Classification: Uncertain significance. Last evaluated: 2019-06-19. Review status: criteria provided, single submitter. Criteria: ACMG Guidelines, 2015. Collection method: clinical testing. Allele origin: germline.

Eurofins Ntd Llc (ga)
Classification: Uncertain significance. Last evaluated: 2017-04-26. Review status: criteria provided, single submitter. Criteria: EGL Classification Definitions 2015. Collection method: clinical testing. Allele origin: germline. Observed: 5 variant alleles, 5 heterozygotes.

GeneDx
Classification: Uncertain significance. Last evaluated: 2017-01-10. Review status: criteria provided, single submitter. Criteria: GeneDx Variant Classification (06012015). Collection method: clinical testing. Allele origin: germline. Affected: yes.
Comment: The R3245W variant has not been published as a pathogenic variant, nor has it been reported as a benign variant to our knowledge. It was not observed with any significant frequency in approximately 5,900 individuals of European and African American ancestry in the NHLBI Exome Sequencing Project. The R3245W variant is a non-conservative amino acid substitution, which is likely to impact secondary protein structure as these residues differ in polarity, charge, size and/or other properties. This substitution occurs at a position that is conserved in mammals; however, missense variants in nearby residues have not been reported in the Human Gene Mutation Database in association with PLEC-related disorders (Stenson et al., 2014). In silico analysis is inconsistent in its predictions as to whether or not the variant is damaging to the protein structure/function.